The following is an entry in ClinVar:

ClinVar aggregate classification (germline): Likely benign (1 of 4 stars; one submission).

Conditions:
Leigh syndrome (NULS). Also called: Leigh's necrotizing encephalopathy; Leigh's disease; Leigh Syndrome (mtDNA deletion); Leigh Disease; Subacute necrotizing encephalopathy; Necrotizing encephalopathy infantile subacute of Leigh. Identifiers: Orphanet 506, MedGen C2931891, MONDO:0009723, OMIM 256000.

Submission:

Wong Mito Lab, Molecular and Human Genetics, Baylor College of Medicine
Classification: Likely benign for Leigh syndrome. Last evaluated: 2019-10-17. Review status: criteria provided, single submitter. Criteria: Modified ACMG Guidelines (Unpublished). Collection method: clinical testing. Allele origin: germline.
Comment: The NC_012920.1:m.8021A>G (YP_003024029.1:p.Ile146Val) variant in MTCO2 gene is interpretated to be a Likely Benign variant based on the modified ACMG guidelines (unpublished). This variant meets the following evidence codes: BP4, BP6

Literature cited by the submitters: PubMed 24931671.

NC_012920.1(MT-CO2):m.8021A>G

Gene: MT-CO2 (mitochondrially encoded cytochrome c oxidase II; plus strand).
Variant type: single nucleotide variant.
Genome position: chrM-8021-A-G.
Identifiers: ClinVar variation 692809 (VCV000692809.1), dbSNP rs1603221261, ClinGen allele CA414794676.